The following is an entry in ClinVar:

NM_007294.4(BRCA1):c.2311_2323del (p.Val772fs)

Gene: BRCA1 (BRCA1 DNA repair associated; minus strand). Cytogenetic location: 17q21.31.
Variant type: Deletion.
Coding change: c.2311_2323del on transcript NM_007294.4 (MANE Select); coding-DNA positions 2311 to 2323, 13 bases deleted (TTGGTACCTGGTA).
Protein change: p.Val772fs; shifts the reading frame from valine 772.
Molecular consequence: frameshift variant. On other transcripts: intron variant (137).
Genome position (GRCh38, 1-based): chr17:43,093,208-43,093,220, TACCAGGTACCAA deleted on the plus strand (TTGGTACCTGGTA on the coding strand, the reverse complement: BRCA1 is on the minus strand); deleting any 13 consecutive bases within chr17:43,093,208-43,093,221 gives the same sequence; the c. name uses the placement nearest the transcript's 3' end. VCF-style (leftmost placement, unchanged base first): chr17-43093207-GTACCAGGTACCAA-G. GRCh37 (hg19) VCF-style: chr17-41245224-GTACCAGGTACCAA-G.
Other names: c.1978_1990del, p.Val661fs (NM_001407951.1, NM_001407952.1, NM_001407953.1 and 6 more transcripts); c.1975_1987del, p.Val660fs (NM_001407954.1, NM_001407955.1, NM_001407956.1 and 1 more transcripts); c.1930_1942del, p.Val645fs (NM_001407959.1, NM_001407960.1, NM_001407963.1); c.1927_1939del, p.Val644fs (NM_001407962.1); c.2167_2179del, p.Val724fs (NM_001407964.1, NM_001407740.1, NM_001407741.1 and 20 more transcripts); c.1807_1819del, p.Val604fs (NM_001407965.1); c.1423_1435del, p.Val476fs (NM_001407966.1, NM_001407967.1); c.2310_2322delATTGGTACCTGGT, p.Val772Ilefs (NM_007294.3); and 42 more; short protein forms V772fs, V725fs, V604fs, V701fs, V724fs, V731fs, V476fs, V645fs.
Identifiers: ClinVar variation 952915 (VCV000952915.9), dbSNP rs2053780973, ClinGen allele CA1139664778.

ClinVar aggregate classification (germline): Pathogenic (1 of 4 stars; one submission).

Conditions:
Hereditary breast ovarian cancer syndrome. Also called: Hereditary breast and ovarian cancer; Hereditary breast and/or ovarian cancer syndrome; Hereditary breast and ovarian cancer syndrome; Hereditary breast and ovarian cancer syndrome (HBOC); BRCA1- and BRCA2-Associated Hereditary Breast and Ovarian Cancer; Breast and ovarian cancer. Identifiers: Orphanet 145, MedGen C0677776, MeSH D061325, MONDO:0003582. Disease mechanism: loss of function.

Submission:

Labcorp Genetics (formerly Invitae), Labcorp
Classification: Pathogenic for Hereditary breast ovarian cancer syndrome. Last evaluated: 2021-06-08. Review status: criteria provided, single submitter. Criteria: Invitae Variant Classification Sherloc (09022015). Collection method: clinical testing. Allele origin: germline.
Comment: This variant is not present in population databases (ExAC no frequency). This sequence change creates a premature translational stop signal (p.Val772Ilefs*16) in the BRCA1 gene. It is expected to result in an absent or disrupted protein product. Loss-of-function variants in BRCA1 are known to be pathogenic (PMID: 20104584). This variant has not been reported in the literature in individuals with BRCA1-related conditions. ClinVar contains an entry for this variant (Variation ID: 952915). For these reasons, this variant has been classified as Pathogenic.

Literature cited by the submitters: PubMed 20104584.